The following is an entry in ClinVar:

NM_000179.3(MSH6):c.3261_3262del (p.Phe1088fs)

Gene: MSH6 (mutS homolog 6; plus strand). Cytogenetic location: 2p16.3.
Variant type: Deletion.
Coding change: c.3261_3262del on transcript NM_000179.3 (MANE Select); coding-DNA positions 3261 to 3262, 2 bases deleted (CT; older notation c.3261_3262delCT).
Protein change: p.Phe1088fs; shifts the reading frame from phenylalanine 1088.
Molecular consequence: frameshift variant.
Genome position (GRCh38, 1-based): chr2:47,803,508-47,803,509, CT deleted. VCF-style (leftmost placement, unchanged base first): chr2-47803507-CCT-C. GRCh37 (hg19) VCF-style: chr2-48030646-CCT-C.
Other names: c.2871_2872del, p.Phe958fs (NM_001281492.2); c.2355_2356del, p.Phe786fs (NM_001281493.2, NM_001281494.2); short protein forms F1088fs, F786fs, F958fs.
Identifiers: ClinVar variation 973406 (VCV000973406.5), dbSNP rs1669747095, ClinGen allele CA1139656962.

ClinVar aggregate classification (germline): Pathogenic/Likely pathogenic. Review status: criteria provided, multiple submitters, no conflicts (2 of 4 stars). 3 submissions from 3 submitters: Pathogenic (1); Likely pathogenic (1). 1 of the submissions does not count toward it. Last evaluated 2023-04-23.

Conditions:
Hereditary nonpolyposis colorectal neoplasms. Identifiers: MedGen C0009405, MeSH D003123.
Lynch syndrome. Identifiers: Orphanet 144, MedGen C4552100, MONDO:0005835. Disease mechanism: loss of function.
Lynch-like syndrome.

Allele frequency attached by ClinVar (database versions not stated): gnomAD exomes below 0.00001.

Submissions (3):

Labcorp Genetics (formerly Invitae), Labcorp
Classification: Pathogenic for Hereditary nonpolyposis colorectal neoplasms. Last evaluated: 2023-04-23. Review status: criteria provided, single submitter. Criteria: Invitae Variant Classification Sherloc (09022015). Collection method: clinical testing. Allele origin: germline.
Comment: ClinVar contains an entry for this variant (Variation ID: 973406). This variant has not been reported in the literature in individuals affected with MSH6-related conditions. This variant is not present in population databases (gnomAD no frequency). This sequence change creates a premature translational stop signal (p.Phe1088Leufs*4) in the MSH6 gene. It is expected to result in an absent or disrupted protein product. Loss-of-function variants in MSH6 are known to be pathogenic (PMID: 18269114, 24362816). For these reasons, this variant has been classified as Pathogenic.

Laboratory for Molecular Medicine, Mass General Brigham Personalized Medicine
Classification: Likely pathogenic for Lynch syndrome. Last evaluated: 2019-10-14. Review status: criteria provided, single submitter. Criteria: ACMG Guidelines, 2015. Collection method: clinical testing. Allele origin: germline.
Comment: The p.Phe1088LeufsX4 variant in MSH6 has not been previously reported in individuals with Lynch Syndrome or in large large population studies. This variant is predicted to cause a frameshift, which alters the protein’s amino acid sequence beginning at position 1088 and leads to a premature termination codon 4 amino acids downstream. This alteration is then predicted to lead to a truncated or absent protein. Heterozygous loss of function of the MSH6 gene is an established disease mechanism in individuals with Lynch syndrome. In summary, this variant meets criteria to be classified as likely pathogenic for autosomal dominant Lynch syndrome based upon the predicted impact to the protein and absence from the general population. ACMG/AMP criteria applied: PVS1, PM2.

Constitutional Genetics Lab, Leon Berard Cancer Center
Classification: Pathogenic for Lynch-like syndrome. Last evaluated: 2019-07-01. Review status: no assertion criteria provided. Collection method: clinical testing. Allele origin: somatic. Affected: yes. Not counted in ClinVar's aggregate classification.

Literature cited by the submitters: PubMed 18269114 (cited by Labcorp Genetics (formerly Invitae), Labcorp); PubMed 24362816 (cited by Labcorp Genetics (formerly Invitae), Labcorp).